The following is an entry in ClinVar:

ClinVar aggregate classification (germline): Uncertain significance. Review status: criteria provided, single submitter (1 of 4 stars). 2 submissions from 2 submitters: Uncertain significance (1). 1 of the submissions does not count toward it. Last evaluated 2022-08-23.

Conditions:
Cohen syndrome (COH1). Also called: Cutis verticis gyrata, retinitis pigmentosa, and sensorineural deafness; PEPPER SYNDROME. Identifiers: Orphanet 193, MedGen C0265223, MONDO:0008999, OMIM 216550.

Allele frequency attached by ClinVar (database versions not stated): gnomAD exomes 0.00001.
gnomAD v4.1: 9 of 1,614,112 alleles (0.00056%); highest among the groups gnomAD compares: Non-Finnish European, 0.00076%; no homozygotes.

Submissions (2):

Labcorp Genetics (formerly Invitae), Labcorp
Classification: Uncertain significance for Cohen syndrome. Last evaluated: 2022-08-23. Review status: criteria provided, single submitter. Criteria: Invitae Variant Classification Sherloc (09022015). Collection method: clinical testing. Allele origin: germline.
Comment: This sequence change replaces glutamic acid, which is acidic and polar, with glycine, which is neutral and non-polar, at codon 2777 of the VPS13B protein (p.Glu2777Gly). This variant is not present in population databases (gnomAD no frequency). This variant has not been reported in the literature in individuals affected with VPS13B-related conditions. ClinVar contains an entry for this variant (Variation ID: 576078). Algorithms developed to predict the effect of missense changes on protein structure and function are either unavailable or do not agree on the potential impact of this missense change (SIFT: "Not Available"; PolyPhen-2: "Benign"; Align-GVGD: "Not Available"). Algorithms developed to predict the effect of sequence changes on RNA splicing suggest that this variant may create or strengthen a splice site. In summary, the available evidence is currently insufficient to determine the role of this variant in disease. Therefore, it has been classified as a Variant of Uncertain Significance.

Natera, Inc.
Classification: Uncertain significance for Cohen syndrome. Last evaluated: 2021-02-18. Review status: no assertion criteria provided. Collection method: clinical testing. Allele origin: germline. Not counted in ClinVar's aggregate classification.

NM_152564.5(VPS13B):c.8255A>G (p.Glu2752Gly)

Gene: VPS13B (vacuolar protein sorting 13 homolog B; plus strand). Cytogenetic location: 8q22.2.
Variant type: single nucleotide variant.
Coding change: c.8255A>G on transcript NM_152564.5 (MANE Select); coding-DNA position 8255, A replaced by G.
Protein change: p.Glu2752Gly; replaces glutamic acid 2752 with glycine.
Molecular consequence: missense variant.
Genome position (GRCh38, 1-based): chr8:99,817,697, A>G. VCF-style: chr8-99817697-A-G. GRCh37 (hg19) VCF-style: chr8-100829925-A-G.
Other names: c.8330A>G, p.Glu2777Gly (NM_017890.5); short protein forms E2752G, E2777G.
Identifiers: ClinVar variation 576078 (VCV000576078.9), dbSNP rs1563488856, ClinGen allele CA371773006.